The following is an entry in ClinVar:

ClinVar aggregate classification (germline): Likely benign. Review status: criteria provided, single submitter (1 of 4 stars). 2 submissions from 2 submitters: Likely benign (1). 1 of the submissions does not count toward it. Last evaluated 2024-10-22.

Conditions:
KMT2D-related disorder. Also called: KMT2D-Related Disorders.
Kabuki syndrome. Also called: Kabuki make-up syndrome; NIIKAWA-KUROKI SYNDROME. Identifiers: Orphanet 2322, MedGen C0796004, MONDO:0016512.

Allele frequency attached by ClinVar (database versions not stated): ExAC 0.00001; gnomAD exomes 0.00001 and 0.00002; gnomAD 0.00003 and 0.00004; TOPMed 0.00005; ESP Exome Variant Server 0.00008.
gnomAD v4.1: 21 of 1,608,830 alleles (0.0013%); highest among the groups gnomAD compares: Admixed American, 0.005%; no homozygotes.

Submissions (2):

Labcorp Genetics (formerly Invitae), Labcorp
Classification: Likely benign for Kabuki syndrome. Last evaluated: 2024-10-22. Review status: criteria provided, single submitter. Criteria: Invitae Variant Classification Sherloc (09022015). Collection method: clinical testing. Allele origin: germline.

PreventionGenetics, part of Exact Sciences
Classification: Likely benign for KMT2D-related condition. Last evaluated: 2024-03-27. Review status: no assertion criteria provided. Collection method: clinical testing. Allele origin: germline. Not counted in ClinVar's aggregate classification.
Comment: This variant is classified as likely benign based on ACMG/AMP sequence variant interpretation guidelines (Richards et al. 2015 PMID: 25741868, with internal and published modifications).

NM_003482.4(KMT2D):c.3840C>T (p.Ser1280=)

Genes: KMT2D (lysine methyltransferase 2D; minus strand), LOC126861520 (CDK7 strongly-dependent group 2 enhancer GRCh37_chr12:49442744-49443943; plus strand). Cytogenetic location: 12q13.12.
Variant type: single nucleotide variant.
Coding change: c.3840C>T on transcript NM_003482.4 (MANE Select); coding-DNA position 3840, C replaced by T.
Protein change: p.Ser1280=; no amino-acid change (serine 1280 retained).
Molecular consequence: synonymous variant.
Genome position (GRCh38, 1-based): chr12:49,049,748, G>A on the plus strand (C>T on the coding strand, the complement: KMT2D is on the minus strand). VCF-style: chr12-49049748-G-A. GRCh37 (hg19) VCF-style: chr12-49443531-G-A.
Other names: c.3840C>T (NM_003482.3).
Identifiers: ClinVar variation 1622890 (VCV001622890.9), dbSNP rs373247355, ClinGen allele CA6547977.
Genomic context (GRCh38, chr12:49,049,748, plus strand): 5'-GATGCGGGAACGGGCTGGGGAGCTGCGCCGCCGCCCCTTCTCCCCCTCAGCTTTGCCTCC[G>A]CTGATAGCTGTCCCAGCATCGCACAATAGTGAGTCATCAGTCTCTGGCAGTGAGTCAGTA-3'
Protein context (NP_003473.3, residues 1270-1290): SLLCDAGTAI[Ser1280=]GGKAEGEKGR